The following is an entry in ClinVar:

NM_145207.3(AFG2A):c.635C>G (p.Thr212Ser)

Gene: AFG2A (AAA ATPase AFG2A; plus strand). Cytogenetic location: 4q28.1.
Variant type: single nucleotide variant.
Coding change: c.635C>G on transcript NM_145207.3 (MANE Select); coding-DNA position 635, C replaced by G.
Protein change: p.Thr212Ser; replaces threonine 212 with serine.
Molecular consequence: missense variant.
Genome position (GRCh38, 1-based): chr4:122,934,226, C>G. VCF-style: chr4-122934226-C-G. GRCh37 (hg19) VCF-style: chr4-123855381-C-G.
Other names: c.632C>G, p.Thr211Ser (NM_001317799.2, NM_001345856.2); short protein forms T211S, T212S.
Identifiers: ClinVar variation 1368992 (VCV001368992.6), dbSNP rs761706494, ClinGen allele CA3070289.

ClinVar aggregate classification (germline): Uncertain significance (1 of 4 stars; one submission).

Conditions:
Microcephaly-intellectual disability-sensorineural hearing loss-epilepsy-abnormal muscle tone syndrome (NEDHSB). Also called: NEURODEVELOPMENTAL DISORDER WITH HEARING LOSS, SEIZURES, AND BRAIN ABNORMALITIES. Identifiers: Orphanet 457351, MedGen C4225276, MONDO:0014698, OMIM 616577.

Allele frequency attached by ClinVar (database versions not stated): gnomAD exomes 0.00004; ExAC 0.00007.
gnomAD v4.1: 14 of 1,614,218 alleles (0.00087%); highest among the groups gnomAD compares: Non-Finnish European, 0.0012%; no homozygotes.

Submission:

Labcorp Genetics (formerly Invitae), Labcorp
Classification: Uncertain significance for Microcephaly-intellectual disability-sensorineural hearing loss-epilepsy-abnormal muscle tone syndrome. Last evaluated: 2026-02-02. Review status: criteria provided, single submitter. Criteria: Invitae Variant Classification Sherloc (09022015). Collection method: clinical testing. Allele origin: germline.
Comment: This sequence change replaces threonine, which is neutral and polar, with serine, which is neutral and polar, at codon 212 of the SPATA5 protein (p.Thr212Ser). This variant is present in population databases (rs761706494, gnomAD 0.008%). This variant has not been reported in the literature in individuals affected with SPATA5-related conditions. ClinVar contains an entry for this variant (Variation ID: 1368992). Invitae Evidence Modeling of protein sequence and biophysical properties (such as structural, functional, and spatial information, amino acid conservation, physicochemical variation, residue mobility, and thermodynamic stability) indicates that this missense variant is not expected to disrupt SPATA5 protein function with a negative predictive value of 95%. In summary, the available evidence is currently insufficient to determine the role of this variant in disease. Therefore, it has been classified as a Variant of Uncertain Significance.